The following is an entry in ClinVar:

NM_001394998.1(TANC2):c.5420C>G (p.Ala1807Gly)

Gene: TANC2 (tetratricopeptide repeat, ankyrin repeat and coiled-coil containing 2; plus strand). Cytogenetic location: 17q23.3.
Variant type: single nucleotide variant.
Coding change: c.5420C>G on transcript NM_001394998.1 (MANE Select); coding-DNA position 5420, C replaced by G.
Protein change: p.Ala1807Gly; replaces alanine 1807 with glycine.
Molecular consequence: missense variant.
Genome position (GRCh38, 1-based): chr17:63,421,150, C>G. VCF-style: chr17-63421150-C-G. GRCh37 (hg19) VCF-style: chr17-61498511-C-G.
Other names: c.5198C>G, p.Ala1733Gly (NM_001411076.1); c.5168C>G, p.Ala1723Gly (NM_025185.4); short protein forms A1723G, A1733G, A1807G.
Identifiers: ClinVar variation 4690151 (VCV004690151.1).

ClinVar aggregate classification (germline): Uncertain significance (1 of 4 stars; one submission).

gnomAD v4.1: 1 of 1,614,010 alleles (0.000062%); no homozygotes.

Submission:

GeneDx
Classification: Uncertain significance. Last evaluated: 2025-07-30. Review status: criteria provided, single submitter. Criteria: GeneDx Variant Classification Process June 2021. Collection method: clinical testing. Allele origin: germline. Affected: yes.
Comment: Not observed at significant frequency in large population cohorts (gnomAD); In silico analysis suggests that this missense variant does not alter protein structure/function; Has not been previously published as pathogenic or benign to our knowledge